The following is an entry in ClinVar:

ClinVar aggregate classification (germline): Uncertain significance (1 of 4 stars; one submission).

Conditions:
Cardiovascular phenotype. Identifiers: MedGen CN230736.

Submission:

Ambry Genetics
Classification: Uncertain significance for Cardiovascular phenotype. Last evaluated: 2026-02-15. Review status: criteria provided, single submitter. Criteria: Ambry Variant Classification Scheme 2023. Collection method: clinical testing. Allele origin: germline.
Comment: The p.N594T variant (also known as c.1781A>C), located in coding exon 21 of the CACNA2D1 gene, results from an A to C substitution at nucleotide position 1781. The asparagine at codon 594 is replaced by threonine, an amino acid with similar properties. This amino acid position is conserved. In addition, this alteration is predicted to be tolerated by in silico analysis. Based on the available evidence, the clinical significance of this variant remains unclear.

NM_000722.4(CACNA2D1):c.1781A>C (p.Asn594Thr)

Gene: CACNA2D1 (calcium voltage-gated channel auxiliary subunit alpha2delta 1; minus strand). Cytogenetic location: 7q21.11.
Variant type: single nucleotide variant.
Coding change: c.1781A>C on transcript NM_000722.4 (MANE Select); coding-DNA position 1781, A replaced by C.
Protein change: p.Asn594Thr; replaces asparagine 594 with threonine.
Molecular consequence: missense variant.
Genome position (GRCh38, 1-based): chr7:81,991,200, T>G on the plus strand (A>C on the coding strand, the complement: CACNA2D1 is on the minus strand). VCF-style: chr7-81991200-T-G. GRCh37 (hg19) VCF-style: chr7-81620516-T-G.
Other names: c.1838A>C, p.Asn613Thr (NM_001366867.1); short protein forms N613T, N594T.
Identifiers: ClinVar variation 4824208 (VCV004824208.1).